The following is an entry in ClinVar:

NM_000138.5(FBN1):c.3997T>G (p.Cys1333Gly)

Gene: FBN1 (fibrillin 1; minus strand). Cytogenetic location: 15q21.1.
Variant type: single nucleotide variant.
Coding change: c.3997T>G on transcript NM_000138.5 (MANE Select); coding-DNA position 3997, T replaced by G.
Protein change: p.Cys1333Gly; replaces cysteine 1333 with glycine.
Molecular consequence: missense variant.
Genome position (GRCh38, 1-based): chr15:48,474,618, A>C on the plus strand (T>G on the coding strand, the complement: FBN1 is on the minus strand). VCF-style: chr15-48474618-A-C. GRCh37 (hg19) VCF-style: chr15-48766815-A-C.
Other names: c.3997T>G, p.Cys1333Gly (NM_001406716.1); short protein forms C1333G.
Identifiers: ClinVar variation 3383081 (VCV003383081.2).

ClinVar aggregate classification (germline): Likely pathogenic (1 of 4 stars; one submission).

Conditions:
Marfan syndrome (MFS). Also called: MARFAN SYNDROME, TYPE I; Marfan syndrome type 1; Marfan's syndrome; FBN1-Related Marfan Syndrome; Marfan syndrome, classic. Identifiers: Orphanet 284963, Orphanet 558, MedGen C0024796, MONDO:0007947, OMIM 154700.

Submission:

Juno Genomics, Hangzhou Juno Genomics, Inc
Classification: Likely pathogenic for Marfan syndrome. Review status: criteria provided, single submitter. Criteria: ACMG Guidelines, 2015. Collection method: clinical testing. Allele origin: germline. Affected: yes.
Comment: Absent from controls (or at extremely low frequency if recessive) in Genome Aggregation Database, Exome Sequencing Project, 1000 Genomes Project, or Exome Aggregation Consortium.;Located in a mutational hot spot and/or critical and well-established functional domain (e.g. active site of an enzyme) without benign variation.;Missense variant in a gene that has a low rate of benign missense variation and where missense variants are a common mechanism of disease.;Patient's phenotype or family history is highly specific for a disease with a single genetic etiology.